The following is an entry in ClinVar:

ClinVar aggregate classification (germline): Pathogenic (1 of 4 stars; one submission).

Conditions:
Neurofibromatosis, type 1 (NF1). Also called: Peripheral type neurofibromatosis; Neurofibromatosis, type I; VON RECKLINGHAUSEN DISEASE; NEUROFIBROMATOSIS, TYPE I, SOMATIC. Identifiers: Orphanet 636, MedGen C0027831, MONDO:0018975, OMIM 162200. Disease mechanism: loss of function.

Submission:

Labcorp Genetics (formerly Invitae), Labcorp
Classification: Pathogenic for Neurofibromatosis, type 1. Last evaluated: 2024-06-10. Review status: criteria provided, single submitter. Criteria: Invitae Variant Classification Sherloc (09022015). Collection method: clinical testing. Allele origin: germline.
Comment: This sequence change creates a premature translational stop signal (p.Ser2425*) in the NF1 gene. It is expected to result in an absent or disrupted protein product. Loss-of-function variants in NF1 are known to be pathogenic (PMID: 10712197, 23913538). This variant is not present in population databases (gnomAD no frequency). This premature translational stop signal has been observed in individual(s) with clinical features of neurofibromatosis type 1 (PMID: 20605257). ClinVar contains an entry for this variant (Variation ID: 1418502). For these reasons, this variant has been classified as Pathogenic.

Literature cited by the submitters: PubMed 10712197; PubMed 23913538; PubMed 20605257.

NM_001042492.3(NF1):c.7335_7336del (p.Val2445_Ser2446insTer)

Gene: NF1 (neurofibromin 1; plus strand). Cytogenetic location: 17q11.2.
Variant type: Microsatellite.
Coding change: c.7335_7336del on transcript NM_001042492.3 (MANE Select); coding-DNA positions 7335 to 7336, 2 bases deleted (GT; older notation c.7335_7336delGT).
Protein change: p.Val2445_Ser2446insTer.
Molecular consequence: frameshift variant. On other transcripts: nonsense (1).
Genome position (GRCh38, 1-based): chr17:31,350,196-31,350,197, GT deleted; deleting any 2 consecutive bases within chr17:31,350,194-31,350,197 gives the same sequence; the c. name uses the placement nearest the transcript's 3' end. VCF-style (leftmost placement, unchanged base first): chr17-31350193-AGT-A. GRCh37 (hg19) VCF-style: chr17-29677211-AGT-A.
Other names: c.7270_7271GT[1], p.Ser2425Terfs (NM_000267.4).
Identifiers: ClinVar variation 1418502 (VCV001418502.6), dbSNP rs2151574274, ClinGen allele CA2580612871.